The following is an entry in ClinVar:

NM_021939.4(FKBP10):c.1046A>G (p.Tyr349Cys)

Gene: FKBP10 (FKBP prolyl isomerase 10; plus strand). Cytogenetic location: 17q21.2.
Variant type: single nucleotide variant.
Coding change: c.1046A>G on transcript NM_021939.4 (MANE Select); coding-DNA position 1046, A replaced by G.
Protein change: p.Tyr349Cys; replaces tyrosine 349 with cysteine.
Molecular consequence: missense variant.
Genome position (GRCh38, 1-based): chr17:41,819,658, A>G. VCF-style: chr17-41819658-A-G. GRCh37 (hg19) VCF-style: chr17-39975910-A-G.
Other names: short protein forms Y349C.
Identifiers: ClinVar variation 1389333 (VCV001389333.6), dbSNP rs782002551, ClinGen allele CA8566469.

ClinVar aggregate classification (germline): Uncertain significance (1 of 4 stars; one submission).

Allele frequency attached by ClinVar (database versions not stated): gnomAD exomes below 0.00001 and 0.00001; TOPMed below 0.00001; ExAC 0.00003.
gnomAD v4.1: 3 of 1,606,254 alleles (0.00019%); highest among the groups gnomAD compares: Admixed American, 0.0034%; no homozygotes.

Submission:

Labcorp Genetics (formerly Invitae), Labcorp
Classification: Uncertain significance. Last evaluated: 2024-10-29. Review status: criteria provided, single submitter. Criteria: Invitae Variant Classification Sherloc (09022015). Collection method: clinical testing. Allele origin: germline.
Comment: This sequence change replaces tyrosine, which is neutral and polar, with cysteine, which is neutral and slightly polar, at codon 349 of the FKBP10 protein (p.Tyr349Cys). This variant is present in population databases (rs782002551, gnomAD 0.006%). This variant has not been reported in the literature in individuals affected with FKBP10-related conditions. ClinVar contains an entry for this variant (Variation ID: 1389333). Invitae Evidence Modeling of protein sequence and biophysical properties (such as structural, functional, and spatial information, amino acid conservation, physicochemical variation, residue mobility, and thermodynamic stability) has been performed for this missense variant. However, the output from this modeling did not meet the statistical confidence thresholds required to predict the impact of this variant on FKBP10 protein function. In summary, the available evidence is currently insufficient to determine the role of this variant in disease. Therefore, it has been classified as a Variant of Uncertain Significance.